The following is an entry in ClinVar:

ClinVar aggregate classification (germline): Conflicting classifications of pathogenicity. Review status: criteria provided, conflicting classifications (1 of 4 stars). 2 submissions from 2 submitters: Likely pathogenic (1); Uncertain significance (1). Last evaluated 2025-10-30.

Conditions:
Idiopathic Pulmonary Fibrosis. Also called: Idiopathic fibrosing alveolitis, chronic form; idiopathic fibrosing alveolitis. Identifiers: Orphanet 2032, MedGen C1800706, MeSH D054990, MONDO:0800504.
Dyskeratosis congenita, autosomal dominant 2. Identifiers: MedGen C3151443, MONDO:0013521, OMIM 613989.
TERT-related disorder. Also called: TERT-related disorders; TERT-related condition.

Allele frequency attached by ClinVar (database versions not stated): gnomAD exomes below 0.00001; TOPMed below 0.00001.
gnomAD v4.1: 1 of 1,569,050 alleles (0.000064%); highest among the groups gnomAD compares: Non-Finnish European, 0.000086%; no homozygotes.

Submissions (2):

PreventionGenetics, part of Exact Sciences
Classification: Uncertain significance for TERT-related condition. Last evaluated: 2025-10-30. Review status: criteria provided, single submitter. Criteria: ACMG Guidelines, 2015. Collection method: clinical testing. Allele origin: germline.
Comment: The TERT c.2053G>A variant is predicted to result in the amino acid substitution p.Asp685Asn. This variant has been reported as a germline variant in an individual with short telomere syndrome (Table S1, Schratz et al. 2020. PubMed ID: 32076714). The Asp685 residue is located in the reverse transcriptase domain of TERT which is a critical functional domain. Missense variants affecting neighboring residues, p.Asp684Gly and p.Ile686Met, and near positions, p.Gly682Asp, have been reported in multiple individuals with aplastic anemia and short telomere syndrome (Norberg et al. 2018. PubMed ID: 29483670; Cosner et al. 2020. PubMed ID: 33147109; Table S2, Mailet et al. 2024. PubMed ID: 39279213; Liang et al. 2006, PubMed ID: 16627250). This variant has not been reported in a large population database (gnomAD), indicating it is rare. Although we suspect that this variant may be pathogenic, at this time, the clinical significance of this variant is uncertain due to the absence of conclusive functional and genetic evidence.

Labcorp Genetics (formerly Invitae), Labcorp
Classification: Likely pathogenic for Dyskeratosis congenita, autosomal dominant 2; Idiopathic Pulmonary Fibrosis. Last evaluated: 2023-05-19. Review status: criteria provided, single submitter. Criteria: Invitae Variant Classification Sherloc (09022015). Collection method: clinical testing. Allele origin: germline.
Comment: In summary, the currently available evidence indicates that the variant is pathogenic, but additional data are needed to prove that conclusively. Therefore, this variant has been classified as Likely Pathogenic. Advanced modeling of protein sequence and biophysical properties (such as structural, functional, and spatial information, amino acid conservation, physicochemical variation, residue mobility, and thermodynamic stability) performed at Invitae indicates that this missense variant is expected to disrupt TERT protein function. ClinVar contains an entry for this variant (Variation ID: 661719). This missense change has been observed in individual(s) with TERT-related conditions (PMID: 32076714; Invitae). It has also been observed to segregate with disease in related individuals. This variant is not present in population databases (gnomAD no frequency). This sequence change replaces aspartic acid, which is acidic and polar, with asparagine, which is neutral and polar, at codon 685 of the TERT protein (p.Asp685Asn).

Literature cited by the submitters: PubMed 32076714 (cited by Labcorp Genetics (formerly Invitae), Labcorp).

NM_198253.3(TERT):c.2053G>A (p.Asp685Asn)

Gene: TERT (telomerase reverse transcriptase; minus strand). Cytogenetic location: 5p15.33.
Variant type: single nucleotide variant.
Coding change: c.2053G>A on transcript NM_198253.3 (MANE Select); coding-DNA position 2053, G replaced by A.
Protein change: p.Asp685Asn; replaces aspartic acid 685 with asparagine.
Molecular consequence: missense variant. On other transcripts: non-coding transcript variant (2).
Genome position (GRCh38, 1-based): chr5:1,279,368, C>T on the plus strand (G>A on the coding strand, the complement: TERT is on the minus strand). VCF-style: chr5-1279368-C-T. GRCh37 (hg19) VCF-style: chr5-1279483-C-T.
Other names: c.2053G>A, p.Asp685Asn (NM_001193376.3); short protein forms D685N.
Identifiers: ClinVar variation 661719 (VCV000661719.10), dbSNP rs1579575848, ClinGen allele CA359080310.
Genomic context (GRCh38, chr5:1,279,368, plus strand): 5'-CAGGCGGCGGGTCCTGGGCCCGCACACGCAGCACGAAGGTGCGCCAGGCCCTGTGGATAT[C>T]GTCCAGGCCCAGCACAGAGGCGCCCAGGAGGCCGGGGCGCCGCGCCCGCTCGTAGTTGAG-3'
Protein context (NP_937983.2, residues 675-695): LLGASVLGLD[Asp685Asn]IHRAWRTFVL